The following is an entry in ClinVar:

ClinVar aggregate classification (germline): Pathogenic. Review status: criteria provided, multiple submitters, no conflicts (2 of 4 stars). 3 submissions from 3 submitters: Pathogenic (3). Last evaluated 2023-12-27.

Conditions:
Inborn genetic diseases. Identifiers: MedGen C0950123, MeSH D030342.

Submissions (3):

GeneDx
Classification: Pathogenic. Last evaluated: 2023-12-27. Review status: criteria provided, single submitter. Criteria: GeneDx Variant Classification Process June 2021. Collection method: clinical testing. Allele origin: germline. Affected: yes.
Comment: Nonsense variant predicted to result in protein truncation or nonsense mediated decay in a gene for which loss of function is a known mechanism of disease; Not observed at significant frequency in large population cohorts (gnomAD); This variant is associated with the following publications: (PMID: 25525159, 19367324, 29974297)

Institute of Medical Genetics and Applied Genomics, University Hospital Tübingen
Classification: Pathogenic. Last evaluated: 2020-10-23. Review status: criteria provided, single submitter. Criteria: ACMG Guidelines, 2015. Collection method: clinical testing. Allele origin: germline. Inheritance: Unknown mechanism. Affected: yes.

Ambry Genetics
Classification: Pathogenic for Inborn genetic diseases. Last evaluated: 2018-01-19. Review status: criteria provided, single submitter. Criteria: Ambry exome assertion method (8-5-2015). Collection method: clinical testing. Allele origin: germline. Affected: yes. Observed: 1 variant allele.

NM_001123385.2(BCOR):c.2428C>T (p.Arg810Ter)

Gene: BCOR (BCL6 corepressor; minus strand). Cytogenetic location: Xp11.4.
Variant type: single nucleotide variant.
Coding change: c.2428C>T on transcript NM_001123385.2 (MANE Select); coding-DNA position 2428, C replaced by T.
Protein change: p.Arg810Ter; replaces arginine 810 with a stop codon.
Molecular consequence: nonsense.
Genome position (GRCh38, 1-based): chrX:40,072,918, G>A on the plus strand (C>T on the coding strand, the complement: BCOR is on the minus strand). VCF-style: chrX-40072918-G-A. GRCh37 (hg19) VCF-style: chrX-39932171-G-A.
Other names: c.2428C>T, p.Arg810Ter (NM_001123383.2, NM_001123384.2, NM_017745.6); short protein forms R810*.
Identifiers: ClinVar variation 521011 (VCV000521011.6), dbSNP rs1555918056, ClinGen allele CA412742835.